The following is an entry in ClinVar:

NM_004493.3(HSD17B10):c.357T>C (p.Asp119=)

Gene: HSD17B10 (hydroxysteroid 17-beta dehydrogenase 10; minus strand). Cytogenetic location: Xp11.22.
Variant type: single nucleotide variant.
Coding change: c.357T>C on transcript NM_004493.3 (MANE Select); coding-DNA position 357, T replaced by C.
Protein change: p.Asp119=; no amino-acid change (aspartic acid 119 retained).
Molecular consequence: synonymous variant.
Genome position (GRCh38, 1-based): chrX:53,432,247, A>G on the plus strand (T>C on the coding strand, the complement: HSD17B10 is on the minus strand). VCF-style: chrX-53432247-A-G. GRCh37 (hg19) VCF-style: chrX-53459195-A-G.
Other names: c.357T>C, p.Asp119= (NM_001037811.2).
Identifiers: ClinVar variation 2660612 (VCV002660612.24), dbSNP rs1431860249, ClinGen allele CA516675310.
Genomic context (GRCh38, chrX:53,432,247, plus strand): 5'-GTCCTCCACAGCCAGATACTTCTTACTACCACTATCCCTGGAGAACTTCCAAGGCCTTAC[A>G]TCAAGAACTCGCTGGAAGTCTTCCAAGGTATGGGTCTGGCCCTTCTTTAAGTTGTACGTC-3'
Protein context (NP_004484.1, residues 109-129): HTLEDFQRVL[Asp119=]VNLMGTFNVI

ClinVar aggregate classification (germline): Likely benign (1 of 4 stars; one submission).

Allele frequency attached by ClinVar (database versions not stated): gnomAD exomes 0.00001.
gnomAD v4.1: 5 of 1,209,448 alleles (0.00041%); highest among the groups gnomAD compares: Non-Finnish European, 0.00056%; no homozygotes.

Submission:

CeGaT Center for Human Genetics Tuebingen
Classification: Likely benign. Last evaluated: 2022-11-01. Review status: criteria provided, single submitter. Criteria: CeGaT Center For Human Genetics Tuebingen Variant Classification Criteria Version 2. Collection method: clinical testing. Allele origin: germline. Affected: yes. Observed: 1 variant allele.
Comment: HSD17B10: BP4, BP7